The following is an entry in ClinVar:

ClinVar aggregate classification (germline): Uncertain significance. Review status: criteria provided, multiple submitters, no conflicts (2 of 4 stars). 2 submissions from 2 submitters: Uncertain significance (2). Last evaluated 2025-04-08.

Conditions:
Camptomelic dysplasia (CMPD). Also called: Campomelic Dysplasia; CMPD1/SRA1. Identifiers: Orphanet 140, MedGen C1861922, MONDO:0007251, OMIM 114290.

Allele frequency attached by ClinVar (database versions not stated): gnomAD exomes 0.00003.
gnomAD v4.1: 42 of 1,613,432 alleles (0.0026%); highest among the groups gnomAD compares: Non-Finnish European, 0.0036%; no homozygotes.

Submissions (2):

Labcorp Genetics (formerly Invitae), Labcorp
Classification: Uncertain significance for Camptomelic dysplasia. Last evaluated: 2025-04-08. Review status: criteria provided, single submitter. Criteria: Invitae Variant Classification Sherloc (09022015). Collection method: clinical testing. Allele origin: germline.
Comment: This sequence change replaces glycine, which is neutral and non-polar, with serine, which is neutral and polar, at codon 302 of the SOX9 protein (p.Gly302Ser). This variant is present in population databases (no rsID available, gnomAD 0.0009%). This variant has not been reported in the literature in individuals affected with SOX9-related conditions. ClinVar contains an entry for this variant (Variation ID: 2436266). Invitae Evidence Modeling of protein sequence and biophysical properties (such as structural, functional, and spatial information, amino acid conservation, physicochemical variation, residue mobility, and thermodynamic stability) indicates that this missense variant is not expected to disrupt SOX9 protein function with a negative predictive value of 95%. In summary, the available evidence is currently insufficient to determine the role of this variant in disease. Therefore, it has been classified as a Variant of Uncertain Significance.

Revvity Omics, Revvity
Classification: Uncertain significance for Camptomelic dysplasia. Last evaluated: 2022-09-19. Review status: criteria provided, single submitter. Criteria: ACMG Guidelines, 2015. Collection method: clinical testing. Allele origin: germline.

NM_000346.4(SOX9):c.904G>A (p.Gly302Ser)

Gene: SOX9 (SRY-box transcription factor 9; plus strand). Cytogenetic location: 17q24.3.
Variant type: single nucleotide variant.
Coding change: c.904G>A on transcript NM_000346.4 (MANE Select); coding-DNA position 904, G replaced by A.
Protein change: p.Gly302Ser; replaces glycine 302 with serine.
Molecular consequence: missense variant.
Genome position (GRCh38, 1-based): chr17:72,123,761, G>A. VCF-style: chr17-72123761-G-A. GRCh37 (hg19) VCF-style: chr17-70119902-G-A.
Other names: short protein forms G302S.
Identifiers: ClinVar variation 2436266 (VCV002436266.4), dbSNP rs1414403898, ClinGen allele CA400867304.
Genomic context (GRCh38, chr17:72,123,761, plus strand): 5'-GTCATCTCCAACATCGAGACCTTCGATGTCAACGAGTTTGACCAGTACCTGCCGCCCAAC[G>A]GCCACCCGGGGGTGCCGGCCACGCACGGCCAGGTCACCTACACGGGCAGCTACGGCATCA-3'
Protein context (NP_000337.1, residues 292-312): NEFDQYLPPN[Gly302Ser]HPGVPATHGQ